The following is an entry in ClinVar:

NM_001204.7(BMPR2):c.1975A>G (p.Thr659Ala)

Gene: BMPR2 (bone morphogenetic protein receptor type 2; plus strand). Cytogenetic location: 2q33.2.
Variant type: single nucleotide variant.
Coding change: c.1975A>G on transcript NM_001204.7 (MANE Select); coding-DNA position 1975, A replaced by G.
Protein change: p.Thr659Ala; replaces threonine 659 with alanine.
Molecular consequence: missense variant.
Genome position (GRCh38, 1-based): chr2:202,555,640, A>G. VCF-style: chr2-202555640-A-G. GRCh37 (hg19) VCF-style: chr2-203420363-A-G.
Other names: short protein forms T659A.
Identifiers: ClinVar variation 3824830 (VCV003824830.1).
Genomic context (GRCh38, chr2:202,555,640, plus strand): 5'-AATCTGCATACCACAAATGTTGCACAGTCAATTGGGCCAACCCCTGTCTGCTTACAGCTG[A>G]CAGAAGAAGACTTGGAAACCAACAAGCTAGACCCAAAAGAAGTTGATAAGAACCTCAAGG-3'
Protein context (NP_001195.2, residues 649-669): IGPTPVCLQL[Thr659Ala]EEDLETNKLD

ClinVar aggregate classification (germline): Uncertain significance (1 of 4 stars; one submission).

Conditions:
Inborn genetic diseases. Identifiers: MedGen C0950123, MeSH D030342.

Submission:

Ambry Genetics
Classification: Uncertain significance for Inborn genetic diseases. Last evaluated: 2025-01-09. Review status: criteria provided, single submitter. Criteria: Ambry Variant Classification Scheme 2023. Collection method: clinical testing. Allele origin: germline.
Comment: The p.T659A variant (also known as c.1975A>G), located in coding exon 12 of the BMPR2 gene, results from an A to G substitution at nucleotide position 1975. The threonine at codon 659 is replaced by alanine, an amino acid with similar properties. This amino acid position is conserved. In addition, this alteration is predicted to be deleterious by in silico analysis. Based on the available evidence, the clinical significance of this variant remains unclear.